The following is an entry in ClinVar:

ClinVar aggregate classification (germline): Likely benign. Review status: criteria provided, multiple submitters, no conflicts (2 of 4 stars). 2 submissions from 2 submitters: Likely benign (2). Last evaluated 2024-07-01.

Conditions:
Frontotemporal dementia and/or amyotrophic lateral sclerosis 4. Also called: FTDALS4. Identifiers: Orphanet 275872, MedGen C4225325, MONDO:0014641, OMIM 616439.

Allele frequency attached by ClinVar (database versions not stated): gnomAD 0.00001.
gnomAD v4.1: 3 of 1,602,732 alleles (0.00019%); highest among the groups gnomAD compares: Non-Finnish European, 0.00026%; no homozygotes.

Submissions (2):

CeGaT Center for Human Genetics Tuebingen
Classification: Likely benign. Last evaluated: 2024-07-01. Review status: criteria provided, single submitter. Criteria: CeGaT Center For Human Genetics Tuebingen Variant Classification Criteria Version 2. Collection method: clinical testing. Allele origin: germline. Affected: yes. Observed: 1 variant allele.
Comment: TBK1: PM2:Supporting, BP4, BP7

Labcorp Genetics (formerly Invitae), Labcorp
Classification: Likely benign for Frontotemporal dementia and/or amyotrophic lateral sclerosis 4. Last evaluated: 2023-07-03. Review status: criteria provided, single submitter. Criteria: Invitae Variant Classification Sherloc (09022015). Collection method: clinical testing. Allele origin: germline.

NM_013254.4(TBK1):c.312C>T (p.Ala104=)

Gene: TBK1 (TANK binding kinase 1; plus strand). Cytogenetic location: 12q14.2.
Variant type: single nucleotide variant.
Coding change: c.312C>T on transcript NM_013254.4 (MANE Select); coding-DNA position 312, C replaced by T.
Protein change: p.Ala104=; no amino-acid change (alanine 104 retained).
Molecular consequence: synonymous variant.
Genome position (GRCh38, 1-based): chr12:64,464,417, C>T. VCF-style: chr12-64464417-C-T. GRCh37 (hg19) VCF-style: chr12-64858197-C-T.
Identifiers: ClinVar variation 2890879 (VCV002890879.20), dbSNP rs1297977476, ClinGen allele CA480554688.